The following is an entry in ClinVar:

ClinVar aggregate classification (germline): Uncertain significance. Review status: criteria provided, multiple submitters, no conflicts (2 of 4 stars). 2 submissions from 2 submitters: Uncertain significance (2). Last evaluated 2026-01-07.

Conditions:
Pulmonary fibrosis and/or bone marrow failure, Telomere-related, 3. Also called: PULMONARY FIBROSIS AND/OR BONE MARROW FAILURE SYNDROME, TELOMERE-RELATED, 3. Identifiers: Orphanet 2032, MedGen C4225346, MONDO:0014613, OMIM 616373.
Dyskeratosis congenita, autosomal recessive 5 (DKCB5). Identifiers: MedGen C3554656, MONDO:0014076, OMIM 615190.
Inborn genetic diseases. Identifiers: MedGen C0950123, MeSH D030342.

gnomAD v4.1: 3 of 1,612,116 alleles (0.00019%); highest among the groups gnomAD compares: Non-Finnish European, 0.00017%; no homozygotes.

Submissions (2):

Labcorp Genetics (formerly Invitae), Labcorp
Classification: Uncertain significance for Dyskeratosis congenita, autosomal recessive 5; Pulmonary fibrosis and/or bone marrow failure, Telomere-related, 3. Last evaluated: 2026-01-07. Review status: criteria provided, single submitter. Criteria: Invitae Variant Classification Sherloc (09022015). Collection method: clinical testing. Allele origin: germline.
Comment: This sequence change replaces proline, which is neutral and non-polar, with histidine, which is basic and polar, at codon 1157 of the RTEL1 protein (p.Pro1157His). This variant is present in population databases (no rsID available, gnomAD no frequency). This variant has not been reported in the literature in individuals affected with RTEL1-related conditions. ClinVar contains an entry for this variant (Variation ID: 3435990). An algorithm developed to predict the effect of missense changes on protein structure and function (PolyPhen-2) suggests that this variant is likely to be disruptive. In summary, the available evidence is currently insufficient to determine the role of this variant in disease. Therefore, it has been classified as a Variant of Uncertain Significance.

Ambry Genetics
Classification: Uncertain significance for Inborn genetic diseases. Last evaluated: 2024-11-27. Review status: criteria provided, single submitter. Criteria: Ambry Variant Classification Scheme 2023. Collection method: clinical testing. Allele origin: germline.
Comment: The p.P1157H variant (also known as c.3470C>A), located in coding exon 32 of the RTEL1 gene, results from a C to A substitution at nucleotide position 3470. The proline at codon 1157 is replaced by histidine, an amino acid with similar properties. This amino acid position is conserved. In addition, this alteration is predicted to be tolerated by in silico analysis. Based on the available evidence, the clinical significance of this variant remains unclear.

NM_001283009.2(RTEL1):c.3470C>A (p.Pro1157His)

Genes: RTEL1 (regulator of telomere elongation helicase 1; plus strand), RTEL1-TNFRSF6B (RTEL1-TNFRSF6B readthrough (NMD candidate); plus strand). Cytogenetic location: 20q13.33.
Variant type: single nucleotide variant.
Coding change: c.3470C>A on transcript NM_001283009.2 (MANE Select); coding-DNA position 3470, C replaced by A.
Protein change: p.Pro1157His; replaces proline 1157 with histidine.
Molecular consequence: missense variant. On other transcripts: non-coding transcript variant (1).
Genome position (GRCh38, 1-based): chr20:63,695,192, C>A. VCF-style: chr20-63695192-C-A. GRCh37 (hg19) VCF-style: chr20-62326545-C-A.
Other names: c.2801C>A, p.Pro934His (NM_001283010.1); c.3470C>A, p.Pro1157His (NM_016434.4); c.3542C>A, p.Pro1181His (NM_032957.5); short protein forms P934H, P1157H, P1181H.
Identifiers: ClinVar variation 3435990 (VCV003435990.3).